The following is an entry in ClinVar:

ClinVar aggregate classification (germline): Uncertain significance (1 of 4 stars; one submission).

Conditions:
Hajdu-Cheney syndrome (HJCYS). Also called: Acroosteolysis dominant type; ACROOSTEOLYSIS WITH OSTEOPOROSIS AND CHANGES IN SKULL AND MANDIBLE; SERPENTINE FIBULA-POLYCYSTIC KIDNEY SYNDROME. Identifiers: Orphanet 955, MedGen C0917715, MONDO:0007057, OMIM 102500.

Submission:

Labcorp Genetics (formerly Invitae), Labcorp
Classification: Uncertain significance for Hajdu-Cheney syndrome. Last evaluated: 2022-06-28. Review status: criteria provided, single submitter. Criteria: Invitae Variant Classification Sherloc (09022015). Collection method: clinical testing. Allele origin: germline.
Comment: Advanced modeling of protein sequence and biophysical properties (such as structural, functional, and spatial information, amino acid conservation, physicochemical variation, residue mobility, and thermodynamic stability) performed at Invitae indicates that this missense variant is not expected to disrupt NOTCH2 protein function. This sequence change replaces glutamic acid, which is acidic and polar, with alanine, which is neutral and non-polar, at codon 1795 of the NOTCH2 protein (p.Glu1795Ala). This variant is not present in population databases (gnomAD no frequency). This variant has not been reported in the literature in individuals affected with NOTCH2-related conditions. In summary, the available evidence is currently insufficient to determine the role of this variant in disease. Therefore, it has been classified as a Variant of Uncertain Significance.

NM_024408.4(NOTCH2):c.5384A>C (p.Glu1795Ala)

Gene: NOTCH2 (notch receptor 2; minus strand). Cytogenetic location: 1p12.
Variant type: single nucleotide variant.
Coding change: c.5384A>C on transcript NM_024408.4 (MANE Select); coding-DNA position 5384, A replaced by C.
Protein change: p.Glu1795Ala; replaces glutamic acid 1795 with alanine.
Molecular consequence: missense variant.
Genome position (GRCh38, 1-based): chr1:119,920,324, T>G on the plus strand (A>C on the coding strand, the complement: NOTCH2 is on the minus strand). VCF-style: chr1-119920324-T-G. GRCh37 (hg19) VCF-style: chr1-120462947-T-G.
Other names: short protein forms E1795A.
Identifiers: ClinVar variation 1395289 (VCV001395289.6), dbSNP rs2101151536, ClinGen allele CA341885609.
Genomic context (GRCh38, chr1:119,920,324, plus strand): 5'-TCCTGCTCTGCCTGAGGAGGGGTGAGAGCCAGCGATGGTGTCCTACGGATGTCTGCAGCT[T>G]CAAGGTGCTGCTGTGTCCATGGCCGTCGATCAATGGGGTCATCTTCTTCTGAGAGTAAGG-3'
Protein context (NP_077719.2, residues 1785-1805): DRRPWTQQHL[Glu1795Ala]AADIRRTPSL